The following is an entry in ClinVar:

NM_130849.4(SLC39A4):c.474G>C (p.Met158Ile)

Gene: SLC39A4 (solute carrier family 39 member 4; minus strand). Cytogenetic location: 8q24.3.
Variant type: single nucleotide variant.
Coding change: c.474G>C on transcript NM_130849.4 (MANE Select); coding-DNA position 474, G replaced by C.
Protein change: p.Met158Ile; replaces methionine 158 with isoleucine.
Molecular consequence: missense variant. On other transcripts: intron variant (1).
Genome position (GRCh38, 1-based): chr8:144,415,810, C>G on the plus strand (G>C on the coding strand, the complement: SLC39A4 is on the minus strand). VCF-style: chr8-144415810-C-G. GRCh37 (hg19) VCF-style: chr8-145641194-C-G.
Other names: c.399G>C, p.Met133Ile (NM_017767.3); c.193-391G>C (NM_001374839.1); short protein forms M133I, M158I.
Identifiers: ClinVar variation 4535717 (VCV004535717.1).

ClinVar aggregate classification (germline): Uncertain significance (1 of 4 stars; one submission).

Submission:

Women's Health and Genetics/Laboratory Corporation of America, LabCorp
Classification: Uncertain significance. Last evaluated: 2025-09-05. Review status: criteria provided, single submitter. Criteria: LabCorp Variant Classification Summary - May 2015. Collection method: clinical testing. Allele origin: germline.
Comment: Variant summary: SLC39A4 c.474G>C (p.Thr158Thr) alters a non-conserved nucleotide located close to a canonical splice site and therefore could affect mRNA splicing, leading to a significantly altered protein sequence. Several computational tools predict a significant impact on normal splicing: Two predict the variant abolishes a 5' splicing donor site. Two predict the variant weakens a 5' donor site. However, these predictions have yet to be confirmed by functional studies. The variant was absent in 222296 control chromosomes. The available data on variant occurrences in the general population are insufficient to allow any conclusion about variant significance. To our knowledge, no occurrence of c.474G>C in individuals affected with SLC39A4-related conditions and no experimental evidence demonstrating its impact on protein function have been reported. No submitters have cited clinical-significance assessments for this variant to ClinVar. Based on the evidence outlined above, the variant was classified as uncertain significance.